The following is an entry in ClinVar:

ClinVar aggregate classification (germline): Likely benign. Review status: criteria provided, multiple submitters, no conflicts (2 of 4 stars). 4 submissions from 4 submitters: Likely benign (4). Last evaluated 2024-11-28.

Conditions:
Hereditary cancer-predisposing syndrome. Also called: Hereditary Cancer Syndrome; Tumor predisposition; Neoplastic Syndromes, Hereditary; Hereditary neoplastic syndrome. Identifiers: Orphanet 140162, MedGen C0027672, MeSH D009386, MONDO:0015356.
Hereditary diffuse gastric adenocarcinoma (HDGC). Also called: DIFFUSE GASTRIC AND LOBULAR BREAST CANCER SYNDROME. Identifiers: Orphanet 26106, MedGen C1708349, MONDO:0007648, OMIM 137215.

Allele frequency attached by ClinVar (database versions not stated): gnomAD exomes below 0.00001.
gnomAD v4.1: 3 of 1,613,940 alleles (0.00019%); highest among the groups gnomAD compares: South Asian, 0.0011%; no homozygotes.

Submissions (4):

Labcorp Genetics (formerly Invitae), Labcorp
Classification: Likely benign for Hereditary diffuse gastric adenocarcinoma. Last evaluated: 2024-11-28. Review status: criteria provided, single submitter. Criteria: Invitae Variant Classification Sherloc (09022015). Collection method: clinical testing. Allele origin: germline.

Myriad Genetics, Inc.
Classification: Likely benign for Hereditary diffuse gastric adenocarcinoma. Last evaluated: 2024-09-16. Review status: criteria provided, single submitter. Criteria: Myriad Autosomal Dominant, Autosomal Recessive and X-Linked Classification Criteria (2023). Collection method: clinical testing. Allele origin: unknown.
Comment: This variant is considered likely benign. This variant is intronic and is not expected to impact mRNA splicing.

Color Diagnostics, LLC DBA Color Health
Classification: Likely benign for Hereditary cancer-predisposing syndrome. Last evaluated: 2017-10-08. Review status: criteria provided, single submitter. Criteria: ACMG Guidelines, 2015. Collection method: clinical testing. Allele origin: germline.

GeneDx
Classification: Likely benign. Last evaluated: 2017-05-16. Review status: criteria provided, single submitter. Criteria: GeneDx Variant Classification (06012015). Collection method: clinical testing. Allele origin: germline. Affected: yes.
Comment: This variant is considered likely benign or benign based on one or more of the following criteria: it is a conservative change, it occurs at a poorly conserved position in the protein, it is predicted to be benign by multiple in silico algorithms, and/or has population frequency not consistent with disease.

NM_004360.5(CDH1):c.833-6T>C

Gene: CDH1 (cadherin 1; plus strand). Cytogenetic location: 16q22.1.
Variant type: single nucleotide variant.
Coding change: c.833-6T>C on transcript NM_004360.5 (MANE Select); 6 bases into the intron before coding-DNA position 833, T replaced by C.
Molecular consequence: intron variant.
Genome position (GRCh38, 1-based): chr16:68,811,678, T>C. VCF-style: chr16-68811678-T-C. GRCh37 (hg19) VCF-style: chr16-68845581-T-C.
Other names: c.833-6T>C (LRG_301t1, NM_001317184.2); c.-783-6T>C (NM_001317185.2); c.-987-6T>C (NM_001317186.2).
Identifiers: ClinVar variation 509676 (VCV000509676.13), dbSNP rs1399679461, ClinGen allele CA623574779.